The following is an entry in ClinVar:

ClinVar aggregate classification (germline): Benign. Review status: criteria provided, multiple submitters, no conflicts (2 of 4 stars). 2 submissions from 2 submitters: Benign (2). Last evaluated 2018-06-14.

Allele frequency attached by ClinVar (database versions not stated): 1000 Genomes Project 30x 0.42270; 1000 Genomes Project 0.42772; gnomAD 0.47401; TOPMed 0.47569.
gnomAD v4.1: 306,526 of 572,538 alleles (54%); highest among the groups gnomAD compares: Non-Finnish European, 58%; 84,724 homozygotes.

Submissions (2):

GeneDx
Classification: Benign. Last evaluated: 2018-06-14. Review status: criteria provided, single submitter. Criteria: GeneDx Variant Classification (06012015). Collection method: clinical testing. Allele origin: germline. Affected: yes.
Comment: This variant is considered likely benign or benign based on one or more of the following criteria: it is a conservative change, it occurs at a poorly conserved position in the protein, it is predicted to be benign by multiple in silico algorithms, and/or has population frequency not consistent with disease.

Breakthrough Genomics
Classification: Benign. Review status: criteria provided, single submitter. Criteria: ACMG Guidelines, 2015. Collection method: not provided. Allele origin: germline. Inheritance: Autosomal dominant inheritance. Affected: yes.

NM_000744.7(CHRNA4):c.76+157T>G

Genes: CHRNA4 (cholinergic receptor nicotinic alpha 4 subunit; minus strand), LOC100130587 (uncharacterized LOC100130587; plus strand). Cytogenetic location: 20q13.33.
Variant type: single nucleotide variant.
Coding change: c.76+157T>G on transcript NM_000744.7 (MANE Select); 157 bases into the intron after coding-DNA position 76, T replaced by G.
Molecular consequence: intron variant.
Genome position (GRCh38, 1-based): chr20:63,360,933, A>C on the plus strand (T>G on the coding strand, the complement: CHRNA4 is on the minus strand). VCF-style: chr20-63360933-A-C. GRCh37 (hg19) VCF-style: chr20-61992285-A-C.
Other names: c.-471+244T>G (NM_001256573.2).
Identifiers: ClinVar variation 679894 (VCV000679894.2), dbSNP rs11698563, ClinGen allele CA14782000.